The following is an entry in ClinVar:

NM_001303052.2(MYT1L):c.634G>A (p.Ala212Thr)

Gene: MYT1L (myelin transcription factor 1 like; minus strand). Cytogenetic location: 2p25.3.
Variant type: single nucleotide variant.
Coding change: c.634G>A on transcript NM_001303052.2 (MANE Select); coding-DNA position 634, G replaced by A.
Protein change: p.Ala212Thr; replaces alanine 212 with threonine.
Molecular consequence: missense variant.
Genome position (GRCh38, 1-based): chr2:1,923,135, C>T on the plus strand (G>A on the coding strand, the complement: MYT1L is on the minus strand). VCF-style: chr2-1923135-C-T. GRCh37 (hg19) VCF-style: chr2-1926907-C-T.
Other names: c.634G>A (NM_015025.2); c.634G>A, p.Ala212Thr (NM_001329844.2, NM_001329845.1, NM_001329846.3 and 6 more transcripts); short protein forms A212T.
Identifiers: ClinVar variation 1699015 (VCV001699015.8), dbSNP rs1277588922, ClinGen allele CA345707349.
Genomic context (GRCh38, chr2:1,923,135, plus strand): 5'-TATTGGAGGTATTGCTGTTCATTTCTGACTCAGTCCTGGCCCGGTAGGCTGCATCCTCAG[C>T]GATTTTGCCGAGGTTTAACAATGACTTGGCCACCAGTTCATCGTAATTGTCATATTCGTC-3'
Protein context (NP_001289981.1, residues 202-222): AKSLLNLGKI[Ala212Thr]EDAAYRARTE

ClinVar aggregate classification (germline): Uncertain significance. Review status: criteria provided, multiple submitters, no conflicts (2 of 4 stars). 3 submissions from 3 submitters: Uncertain significance (3). Last evaluated 2023-02-06.

Conditions:
Neurodevelopmental disorder. Identifiers: MedGen C1535926, MeSH D065886, MONDO:0700092.
Intellectual developmental disorder, autosomal dominant 39. Also called: Mental retardation, autosomal dominant 39; Intellectual disability, autosomal dominant 39. Identifiers: MedGen C4225296, MONDO:0014678, OMIM 616521.

Allele frequency attached by ClinVar (database versions not stated): gnomAD 0.00001.
gnomAD v4.1: 1 of 1,613,878 alleles (0.000062%); no homozygotes.

Submissions (3):

Laboratory of Molecular Genetics (Pr. Bezieau's lab), CHU de Nantes
Classification: Uncertain significance for Neurodevelopmental disorder. Last evaluated: 2023-02-06. Review status: criteria provided, single submitter. Criteria: ACMG Guidelines, 2015. Collection method: clinical testing. Allele origin: germline. Affected: yes.

GeneDx
Classification: Uncertain significance. Last evaluated: 2023-02-03. Review status: criteria provided, single submitter. Criteria: GeneDx Variant Classification Process June 2021. Collection method: clinical testing. Allele origin: germline. Affected: yes.
Comment: Not observed at significant frequency in large population cohorts (gnomAD); In silico analysis supports that this missense variant does not alter protein structure/function; Has not been previously published as pathogenic or benign to our knowledge

Victorian Clinical Genetics Services, Murdoch Childrens Research Institute
Classification: Uncertain significance for Intellectual developmental disorder, autosomal dominant 39. Last evaluated: 2019-08-28. Review status: criteria provided, single submitter. Criteria: ACMG Guidelines, 2015. Collection method: clinical testing. Allele origin: germline. Inheritance: Autosomal dominant inheritance. Affected: yes.
Comment: A heterozygous missense variant was identified, NM_015025.3(MYT1L):c.634G>A in exon 10 of 25 of the MYT1L gene. This substitution is predicted to create a minor amino acid change from alanine to threonine at position 212 of the protein, NP_055840.2(MYT1L):p.(Ala212Thr). The alanine at this position has very high conservation (100 vertebrates, UCSC), but is not situated in a known functional domain. In silico software predicts this variant to be pathogenic (PolyPhen, SIFT, CADD, MutationTaster). The variant is not present in the gnomAD population database. The variant has not previously been reported in clinical cases. Based on information available at the time of curation, this variant has been classified as a VARIANT of UNCERTAIN SIGNIFICANCE (VUS).